The following is an entry in ClinVar:

NM_058246.4(DNAJB6):c.273C>G (p.Phe91Leu)

Gene: DNAJB6 (DnaJ heat shock protein family (Hsp40) member B6; plus strand). Cytogenetic location: 7q36.3.
Variant type: single nucleotide variant.
Coding change: c.273C>G on transcript NM_058246.4 (MANE Select); coding-DNA position 273, C replaced by G.
Protein change: p.Phe91Leu; replaces phenylalanine 91 with leucine.
Molecular consequence: missense variant.
Genome position (GRCh38, 1-based): chr7:157,367,410, C>G. VCF-style: chr7-157367410-C-G. GRCh37 (hg19) VCF-style: chr7-157160104-C-G.
Other names: c.273C>G, p.Phe91Leu (NM_001363676.1, NM_005494.3); short protein forms F91L.
Identifiers: ClinVar variation 225176 (VCV000225176.34), dbSNP rs759982570, ClinGen allele CA358311.

ClinVar aggregate classification (germline): Pathogenic. Review status: criteria provided, multiple submitters, no conflicts (2 of 4 stars). 5 submissions from 5 submitters: Pathogenic (3). 2 of the submissions do not count toward it. Last evaluated 2024-12-07.

Conditions:
Autosomal dominant limb-girdle muscular dystrophy type 1D (DNAJB6) (LGMDD1). Also called: MUSCULAR DYSTROPHY, LIMB-GIRDLE, TYPE 1D; MUSCULAR DYSTROPHY, AUTOSOMAL DOMINANT, WITH RIMMED VACUOLES; Autosomal dominant limb-girdle muscular dystrophy type 1D; Muscular dystrophy, limb-girdle, autosomal dominant 1. Identifiers: Orphanet 34516, MedGen C4721885, MONDO:0021018, OMIM 603511.
Abnormality of the musculature. Identifiers: MedGen C4021745, HP:0003011.

Submissions (5):

Labcorp Genetics (formerly Invitae), Labcorp
Classification: Pathogenic for Autosomal dominant limb-girdle muscular dystrophy type 1D (DNAJB6). Last evaluated: 2024-12-07. Review status: criteria provided, single submitter. Criteria: Invitae Variant Classification Sherloc (09022015). Collection method: clinical testing. Allele origin: germline.
Comment: This sequence change replaces phenylalanine, which is neutral and non-polar, with leucine, which is neutral and non-polar, at codon 91 of the DNAJB6 protein (p.Phe91Leu). This variant is not present in population databases (gnomAD no frequency). This missense change has been observed in individual(s) with limb-girdle muscular dystrophy (PMID: 26205529, 26338452, 26371419). In at least one individual the variant was observed to be de novo. It has also been observed to segregate with disease in related individuals. ClinVar contains an entry for this variant (Variation ID: 225176). Invitae Evidence Modeling of protein sequence and biophysical properties (such as structural, functional, and spatial information, amino acid conservation, physicochemical variation, residue mobility, and thermodynamic stability) indicates that this missense variant is expected to disrupt DNAJB6 protein function with a positive predictive value of 80%. Experimental studies have shown that this missense change affects DNAJB6 function (PMID: 26338452, 26371419). For these reasons, this variant has been classified as Pathogenic.

Kariminejad - Najmabadi Pathology & Genetics Center
Classification: Pathogenic for Abnormality of the musculature. Last evaluated: 2021-07-10. Review status: criteria provided, single submitter. Criteria: ACMG Guidelines, 2015. Collection method: clinical testing. Allele origin: de novo. Affected: yes.

Eurofins Ntd Llc (ga)
Classification: Pathogenic. Last evaluated: 2016-12-08. Review status: criteria provided, single submitter. Criteria: EGL Classification Definitions 2015. Collection method: clinical testing. Allele origin: germline. Observed: 1 variant allele, 1 heterozygote.

Neuromuscular Department, Shariati Hospital, Tehran University of Medical Sciences
Classification: Pathogenic for Limb-girdle muscular dystrophy, type 1E. Last evaluated: 2020-10-01. Review status: no assertion criteria provided. Collection method: clinical testing. Allele origin: germline. Inheritance: Autosomal dominant inheritance. Affected: yes. Observed: 1 heterozygote. Not counted in ClinVar's aggregate classification.
Comment: Muscle biopsy revealed rimmed vacuoles, and core bodies.

OMIM
Classification: Pathogenic for MUSCULAR DYSTROPHY, LIMB-GIRDLE, AUTOSOMAL DOMINANT 1. Last evaluated: 2018-09-27. Review status: no assertion criteria provided. Collection method: literature only. Allele origin: germline. Not counted in ClinVar's aggregate classification.

Literature cited by the submitters: PubMed 26205529 (cited by Labcorp Genetics (formerly Invitae), Labcorp and OMIM); PubMed 26338452 (cited by Labcorp Genetics (formerly Invitae), Labcorp); PubMed 26371419 (cited by Labcorp Genetics (formerly Invitae), Labcorp).